The following is an entry in ClinVar:

ClinVar aggregate classification (germline): Uncertain significance (1 of 4 stars; one submission).

Submission:

Labcorp Genetics (formerly Invitae), Labcorp
Classification: Uncertain significance. Last evaluated: 2025-01-23. Review status: criteria provided, single submitter. Criteria: Invitae Variant Classification Sherloc (09022015). Collection method: clinical testing. Allele origin: germline.
Comment: This sequence change replaces serine, which is neutral and polar, with asparagine, which is neutral and polar, at codon 806 of the DNA2 protein (p.Ser806Asn). This variant is not present in population databases (gnomAD no frequency). This variant has not been reported in the literature in individuals affected with DNA2-related conditions. Invitae Evidence Modeling of protein sequence and biophysical properties (such as structural, functional, and spatial information, amino acid conservation, physicochemical variation, residue mobility, and thermodynamic stability) indicates that this missense variant is not expected to disrupt DNA2 protein function with a negative predictive value of 80%. In summary, the available evidence is currently insufficient to determine the role of this variant in disease. Therefore, it has been classified as a Variant of Uncertain Significance.

NM_001080449.3(DNA2):c.2417G>A (p.Ser806Asn)

Gene: DNA2 (DNA replication helicase/nuclease 2; minus strand). Cytogenetic location: 10q21.3.
Variant type: single nucleotide variant.
Coding change: c.2417G>A on transcript NM_001080449.3 (MANE Select); coding-DNA position 2417, G replaced by A.
Protein change: p.Ser806Asn; replaces serine 806 with asparagine.
Molecular consequence: missense variant. On other transcripts: non-coding transcript variant (1).
Genome position (GRCh38, 1-based): chr10:68,422,590, C>T on the plus strand (G>A on the coding strand, the complement: DNA2 is on the minus strand). VCF-style: chr10-68422590-C-T. GRCh37 (hg19) VCF-style: chr10-70182347-C-T.
Other names: short protein forms S806N.
Identifiers: ClinVar variation 3719907 (VCV003719907.2).